The following is an entry in ClinVar:

NM_016507.4(CDK12):c.3566T>A (p.Leu1189Gln)

Gene: CDK12 (cyclin dependent kinase 12; plus strand). Cytogenetic location: 17q12.
Variant type: single nucleotide variant.
Coding change: c.3566T>A on transcript NM_016507.4 (MANE Select); coding-DNA position 3566, T replaced by A.
Protein change: p.Leu1189Gln; replaces leucine 1189 with glutamine.
Molecular consequence: missense variant.
Genome position (GRCh38, 1-based): chr17:39,526,122, T>A. VCF-style: chr17-39526122-T-A. GRCh37 (hg19) VCF-style: chr17-37682375-T-A.
Other names: NP_057591.2:p.Leu1189Gln; c.3566T>A, p.Leu1189Gln (NM_015083.4); c.3566T>A (NM_016507.3); short protein forms L1189Q.
Identifiers: ClinVar variation 133860 (VCV000133860.5), dbSNP rs56362165, ClinGen allele CA158004.

ClinVar aggregate classification (germline): Likely benign. Review status: criteria provided, multiple submitters, no conflicts (2 of 4 stars). 4 submissions from 4 submitters: Likely benign (2). 2 of the submissions do not count toward it. Last evaluated 2022-04-19.

Conditions:
CDK12-related disorder. Also called: CDK12-related condition.
Hereditary breast ovarian cancer syndrome. Also called: Hereditary breast and ovarian cancer; Breast and ovarian cancer; Hereditary breast and ovarian cancer syndrome (HBOC); Hereditary breast and/or ovarian cancer syndrome; Hereditary breast and ovarian cancer syndrome; BRCA1- and BRCA2-Associated Hereditary Breast and Ovarian Cancer. Identifiers: Orphanet 145, MedGen C0677776, MeSH D061325, MONDO:0003582. Disease mechanism: loss of function.

Allele frequency attached by ClinVar (database versions not stated): gnomAD exomes 0.00180; ExAC 0.00220; 1000 Genomes Project 0.00679; gnomAD 0.00704 and 0.00763; 1000 Genomes Project 30x 0.00796; ESP Exome Variant Server 0.00807; TOPMed 0.00824.
gnomAD v4.1: 2,245 of 1,614,206 alleles (0.14%); highest among the groups gnomAD compares: African/African-American, 2.6%; 24 homozygotes.

Submissions (4):

National Health Laboratory Service, Universitas Academic Hospital and University of the Free State
Classification: Likely benign for Hereditary breast ovarian cancer syndrome. Last evaluated: 2022-04-19. Review status: criteria provided, single submitter. Criteria: ACMG Guidelines, 2015. Collection method: clinical testing. Allele origin: germline. Affected: yes. Observed: 5 variant alleles.

Breakthrough Genomics
Classification: Likely benign. Review status: criteria provided, single submitter. Criteria: ACMG Guidelines, 2015. Collection method: not provided. Allele origin: germline. Inheritance: Unknown mechanism. Affected: yes.

PreventionGenetics, part of Exact Sciences
Classification: Benign for CDK12-related condition. Last evaluated: 2019-03-08. Review status: no assertion criteria provided. Collection method: clinical testing. Allele origin: germline. Not counted in ClinVar's aggregate classification.
Comment: This variant is classified as benign based on ACMG/AMP sequence variant interpretation guidelines (Richards et al. 2015 PMID: 25741868, with internal and published modifications).

ITMI
No classification provided. Condition: AllHighlyPenetrant. Last evaluated: 2013-09-19. Review status: no classification provided. Collection method: reference population. Allele origin: germline. Not counted in ClinVar's aggregate classification.
Comment: Please see associated publication for description of ethnicities

Literature cited by the submitters: PubMed 24728327 (cited by ITMI).